The following is an entry in ClinVar:

NM_014283.5(SUCO):c.814G>A (p.Asp272Asn)

Gene: SUCO (SUN domain containing ossification factor; plus strand). Cytogenetic location: 1q24.3.
Variant type: single nucleotide variant.
Coding change: c.814G>A on transcript NM_014283.5 (MANE Select); coding-DNA position 814, G replaced by A.
Protein change: p.Asp272Asn; replaces aspartic acid 272 with asparagine.
Molecular consequence: missense variant. On other transcripts: 5 prime UTR variant (1).
Genome position (GRCh38, 1-based): chr1:172,569,100, G>A. VCF-style: chr1-172569100-G-A. GRCh37 (hg19) VCF-style: chr1-172538240-G-A.
Other names: c.1288G>A, p.Asp430Asn (NM_016227.4); c.703G>A, p.Asp235Asn (NM_001282750.2); c.-716G>A (NM_001282751.2); short protein forms D272N, D430N, D235N.
Identifiers: ClinVar variation 2846350 (VCV002846350.3), dbSNP rs2527328623, ClinGen allele CA343737275.

ClinVar aggregate classification (germline): Uncertain significance (1 of 4 stars; one submission).

Submission:

Labcorp Genetics (formerly Invitae), Labcorp
Classification: Uncertain significance. Last evaluated: 2023-04-20. Review status: criteria provided, single submitter. Criteria: Invitae Variant Classification Sherloc (09022015). Collection method: clinical testing. Allele origin: germline.
Comment: This sequence change replaces aspartic acid, which is acidic and polar, with asparagine, which is neutral and polar, at codon 272 of the SUCO protein (p.Asp272Asn). This variant is not present in population databases (gnomAD no frequency). This variant has not been reported in the literature in individuals affected with SUCO-related conditions. An algorithm developed to predict the effect of missense changes on protein structure and function (PolyPhen-2) suggests that this variant is likely to be disruptive. In summary, the available evidence is currently insufficient to determine the role of this variant in disease. Therefore, it has been classified as a Variant of Uncertain Significance.